The following is an entry in ClinVar:

NM_000747.3(CHRNB1):c.1435A>T (p.Thr479Ser)

Gene: CHRNB1 (cholinergic receptor nicotinic beta 1 subunit; plus strand). Cytogenetic location: 17p13.1.
Variant type: single nucleotide variant.
Coding change: c.1435A>T on transcript NM_000747.3 (MANE Select); coding-DNA position 1435, A replaced by T.
Protein change: p.Thr479Ser; replaces threonine 479 with serine.
Molecular consequence: missense variant.
Genome position (GRCh38, 1-based): chr17:7,456,652, A>T. VCF-style: chr17-7456652-A-T. GRCh37 (hg19) VCF-style: chr17-7359971-A-T.
Other names: short protein forms T479S.
Identifiers: ClinVar variation 1196949 (VCV001196949.2), dbSNP rs2150843833, ClinGen allele CA397803193.

ClinVar aggregate classification (germline): Uncertain significance (1 of 4 stars; one submission).

Submission:

GeneDx
Classification: Uncertain significance. Last evaluated: 2019-11-05. Review status: criteria provided, single submitter. Criteria: GeneDx Variant Classification Process June 2021. Collection method: clinical testing. Allele origin: germline. Affected: yes.
Comment: Not observed in large population cohorts (Lek et al., 2016); In silico analysis, which includes protein predictors and evolutionary conservation, supports that this variant does not alter protein structure/function; Has not been previously published as pathogenic or benign to our knowledge